The following is an entry in ClinVar:

NM_001372044.2(SHANK3):c.2877G>C (p.Glu959Asp)

Gene: SHANK3 (SH3 and multiple ankyrin repeat domains 3; plus strand). Cytogenetic location: 22q13.33.
Variant type: single nucleotide variant.
Coding change: c.2877G>C on transcript NM_001372044.2 (MANE Select); coding-DNA position 2877, G replaced by C.
Protein change: p.Glu959Asp; replaces glutamic acid 959 with aspartic acid.
Molecular consequence: missense variant.
Genome position (GRCh38, 1-based): chr22:50,720,485, G>C. VCF-style: chr22-50720485-G-C. GRCh37 (hg19) VCF-style: chr22-51158913-G-C.
Other names: c.2652G>C, p.Glu884Asp (NM_033517.1); short protein forms E884D, E959D.
Identifiers: ClinVar variation 1878886 (VCV001878886.2), dbSNP rs1013974683, ClinGen allele CA325578109.

ClinVar aggregate classification (germline): Uncertain significance (1 of 4 stars; one submission).

Submission:

GeneDx
Classification: Uncertain significance. Last evaluated: 2023-04-25. Review status: criteria provided, single submitter. Criteria: GeneDx Variant Classification Process June 2021. Collection method: clinical testing. Allele origin: germline. Affected: yes.
Comment: Not observed at significant frequency in large population cohorts (gnomAD); In silico analysis supports that this missense variant does not alter protein structure/function; Has not been previously published as pathogenic or benign to our knowledge